The following is an entry in ClinVar:

ClinVar aggregate classification (germline): Conflicting classifications of pathogenicity. Review status: criteria provided, conflicting classifications (1 of 4 stars). 6 submissions from 6 submitters: Uncertain significance (1); Likely benign (5). Last evaluated 2026-03-02.

Conditions:
Autosomal dominant nonsyndromic hearing loss 1. Also called: KONIGSMARK SYNDROME; DEAFNESS, AUTOSOMAL DOMINANT 1, WITH OR WITHOUT THROMBOCYTOPENIA. Identifiers: Orphanet 90635, MedGen C1852282, MONDO:0007424, OMIM 124900.
Progressive microcephaly-seizures-cortical blindness-developmental delay syndrome. Also called: Seizures, cortical blindness, and microcephaly syndrome. Identifiers: Orphanet 477814, MedGen C5567650, MONDO:0014714, OMIM 616632.
DIAPH1-related disorder. Also called: DIAPH1-related condition.

Allele frequency attached by ClinVar (database versions not stated): gnomAD 0.00017 and 0.00015; ESP Exome Variant Server 0.00032; gnomAD exomes 0.00007 and 0.00012; ExAC 0.00011; TOPMed 0.00013.
gnomAD v4.1: 189 of 1,613,530 alleles (0.012%); highest among the groups gnomAD compares: Middle Eastern, 0.018%; no homozygotes.

Submissions (6):

PreventionGenetics, part of Exact Sciences
Classification: Likely benign for DIAPH1-related condition. Last evaluated: 2026-03-02. Review status: criteria provided, single submitter. Criteria: ACMG Guidelines, 2015. Collection method: clinical testing. Allele origin: germline.
Comment: This variant is classified as likely benign based on ACMG/AMP sequence variant interpretation guidelines (Richards et al. 2015 PMID: 25741868, with internal and published modifications).

Labcorp Genetics (formerly Invitae), Labcorp
Classification: Likely benign for Progressive microcephaly-seizures-cortical blindness-developmental delay syndrome; Autosomal dominant nonsyndromic hearing loss 1. Last evaluated: 2025-11-19. Review status: criteria provided, single submitter. Criteria: Invitae Variant Classification Sherloc (09022015). Collection method: clinical testing. Allele origin: germline.

CeGaT Center for Human Genetics Tuebingen
Classification: Likely benign. Last evaluated: 2025-06-01. Review status: criteria provided, single submitter. Criteria: CeGaT Center For Human Genetics Tuebingen Variant Classification Criteria Version 2. Collection method: clinical testing. Allele origin: germline. Affected: yes. Observed: 3 variant alleles.
Comment: DIAPH1: BP4, BP7

Blueprint Genetics
Classification: Likely benign. Last evaluated: 2024-11-08. Review status: criteria provided, single submitter. Criteria: ACMG Guidelines, 2015. Collection method: clinical testing. Allele origin: germline.

GeneDx
Classification: Likely benign. Last evaluated: 2020-12-09. Review status: criteria provided, single submitter. Criteria: GeneDx Variant Classification Process June 2021. Collection method: clinical testing. Allele origin: germline. Affected: yes.

Illumina Laboratory Services, Illumina
Classification: Uncertain significance for Autosomal dominant nonsyndromic hearing loss 1. Last evaluated: 2018-01-13. Review status: criteria provided, single submitter. Criteria: ICSL Variant Classification Criteria 13 December 2019. Collection method: clinical testing. Allele origin: germline.

NM_005219.5(DIAPH1):c.969A>G (p.Thr323=)

Gene: DIAPH1 (diaphanous related formin 1; minus strand). Cytogenetic location: 5q31.3.
Variant type: single nucleotide variant.
Coding change: c.969A>G on transcript NM_005219.5 (MANE Select); coding-DNA position 969, A replaced by G.
Protein change: p.Thr323=; no amino-acid change (threonine 323 retained).
Molecular consequence: synonymous variant.
Genome position (GRCh38, 1-based): chr5:141,578,590, T>C on the plus strand (A>G on the coding strand, the complement: DIAPH1 is on the minus strand). VCF-style: chr5-141578590-T-C. GRCh37 (hg19) VCF-style: chr5-140958157-T-C.
Other names: c.942A>G, p.Thr314= (NM_001079812.3); c.969A>G, p.Thr323= (NM_001314007.2).
Identifiers: ClinVar variation 542369 (VCV000542369.43), dbSNP rs369453319, ClinGen allele CA3479423.